The following is an entry in ClinVar:

ClinVar aggregate classification (germline): Likely benign (1 of 4 stars; one submission).

gnomAD v4.1: 14 of 1,201,691 alleles (0.0012%); highest among the groups gnomAD compares: Admixed American, 0.0088%; no homozygotes.

Submission:

CeGaT Center for Human Genetics Tuebingen
Classification: Likely benign. Last evaluated: 2026-05-01. Review status: criteria provided, single submitter. Criteria: CeGaT Center For Human Genetics Tuebingen Variant Classification Criteria Version 2. Collection method: clinical testing. Allele origin: germline. Affected: yes. Observed: 1 variant allele.
Comment: PAK3: BS2

NM_002578.5(PAK3):c.546A>T (p.Glu182Asp)

Gene: PAK3 (p21 (RAC1) activated kinase 3; plus strand). Cytogenetic location: Xq23.
Variant type: single nucleotide variant.
Coding change: c.546A>T on transcript NM_002578.5 (MANE Select); coding-DNA position 546, A replaced by T.
Protein change: p.Glu182Asp; replaces glutamic acid 182 with aspartic acid.
Molecular consequence: missense variant. On other transcripts: non-coding transcript variant (2).
Genome position (GRCh38, 1-based): chrX:111,162,992, A>T. VCF-style: chrX-111162992-A-T. GRCh37 (hg19) VCF-style: chrX-110406220-A-T.
Other names: c.546A>T, p.Glu182Asp (NM_001128166.3, NM_001128167.3, NM_001324325.2 and 5 more transcripts); c.654A>T, p.Glu218Asp (NM_001128168.3); c.609A>T, p.Glu203Asp (NM_001128172.2); c.591A>T, p.Glu197Asp (NM_001128173.3, NM_001324327.2, NM_001324328.2 and 2 more transcripts); short protein forms E182D, E197D, E203D, E218D.
Identifiers: ClinVar variation 4873466 (VCV004873466.2).
Genomic context (GRCh38, chrX:111,162,992, plus strand): 5'-TGAGCCTCCATTGGCCCCTCCTGTGTCTGAAGAAGAAGATGAAGAGGAAGAAGAAGAAGA[A>T]GATGAAAATGAGCCACCACCAGTTATCGCACCAAGACCAGAGCATACAAAATCAGTAAGT-3'
Protein context (NP_002569.1, residues 172-192): EEEDEEEEEE[Glu182Asp]DENEPPPVIA